The following is an entry in ClinVar:

NM_004859.4(CLTC):c.3902C>T (p.Thr1301Ile)

Gene: CLTC (clathrin heavy chain; plus strand). Cytogenetic location: 17q23.1.
Variant type: single nucleotide variant.
Coding change: c.3902C>T on transcript NM_004859.4 (MANE Select); coding-DNA position 3902, C replaced by T.
Protein change: p.Thr1301Ile; replaces threonine 1301 with isoleucine.
Molecular consequence: missense variant.
Genome position (GRCh38, 1-based): chr17:59,683,123, C>T. VCF-style: chr17-59683123-C-T. GRCh37 (hg19) VCF-style: chr17-57760484-C-T.
Other names: c.3902C>T (NM_004859.3); c.3914C>T, p.Thr1305Ile (NM_001288653.2); short protein forms T1301I, T1305I.
Identifiers: ClinVar variation 1523846 (VCV001523846.32), dbSNP rs373338446, ClinGen allele CA8681670.
Genomic context (GRCh38, chr17:59,683,123, plus strand): 5'-CTTATCTTTAACTGCACATTTCTCTTGTTCAGGATCGTGGCTATTTTGAAGAGCTGATCA[C>T]CATGTTGGAAGCAGCACTGGGACTTGAGCGAGCTCACATGGGAATGTTTACTGAATTAGC-3'
Protein context (NP_004850.1, residues 1291-1311): QDRGYFEELI[Thr1301Ile]MLEAALGLER

ClinVar aggregate classification (germline): Conflicting classifications of pathogenicity. Review status: criteria provided, conflicting classifications (1 of 4 stars). 5 submissions from 5 submitters: Uncertain significance (1); Likely benign (4). Last evaluated 2026-07-01.

Conditions:
Inborn genetic diseases. Identifiers: MedGen C0950123, MeSH D030342.

Allele frequency attached by ClinVar (database versions not stated): gnomAD exomes 0.00013 and 0.00008; gnomAD 0.00014 and 0.00015; ESP Exome Variant Server 0.00008; TOPMed 0.00009; ExAC 0.00016.
gnomAD v4.1: 144 of 1,613,950 alleles (0.0089%); highest among the groups gnomAD compares: Non-Finnish European, 0.011%; no homozygotes.

Submissions (5):

CeGaT Center for Human Genetics Tuebingen
Classification: Likely benign. Last evaluated: 2026-07-01. Review status: criteria provided, single submitter. Criteria: CeGaT Center For Human Genetics Tuebingen Variant Classification Criteria Version 2. Collection method: clinical testing. Allele origin: germline. Affected: yes. Observed: 4 variant alleles.
Comment: CLTC: PP2, BS2

Labcorp Genetics (formerly Invitae), Labcorp
Classification: Uncertain significance. Last evaluated: 2025-08-21. Review status: criteria provided, single submitter. Criteria: Invitae Variant Classification Sherloc (09022015). Collection method: clinical testing. Allele origin: germline.
Comment: This sequence change replaces threonine, which is neutral and polar, with isoleucine, which is neutral and non-polar, at codon 1305 of the CLTC protein (p.Thr1305Ile). This variant is present in population databases (rs373338446, gnomAD 0.04%), and has an allele count higher than expected for a pathogenic variant. This variant has not been reported in the literature in individuals affected with CLTC-related conditions. ClinVar contains an entry for this variant (Variation ID: 1523846). Invitae Evidence Modeling of protein sequence and biophysical properties (such as structural, functional, and spatial information, amino acid conservation, physicochemical variation, residue mobility, and thermodynamic stability) indicates that this missense variant is not expected to disrupt CLTC protein function with a negative predictive value of 80%. In summary, the available evidence is currently insufficient to determine the role of this variant in disease. Therefore, it has been classified as a Variant of Uncertain Significance.

Laboratory of Genetics, Children's Clinical University Hospital Latvia
Classification: Likely benign. Last evaluated: 2025-02-16. Review status: criteria provided, single submitter. Criteria: ACMG Guidelines, 2015. Collection method: clinical testing. Allele origin: germline. Affected: yes.

Blueprint Genetics
Classification: Likely benign. Last evaluated: 2024-11-20. Review status: criteria provided, single submitter. Criteria: ACMG Guidelines, 2015. Collection method: clinical testing. Allele origin: germline.

Ambry Genetics
Classification: Likely benign for Inborn genetic diseases. Last evaluated: 2024-09-30. Review status: criteria provided, single submitter. Criteria: Ambry Variant Classification Scheme 2023. Collection method: clinical testing. Allele origin: germline.